The following is an entry in ClinVar:

ClinVar aggregate classification (germline): Uncertain significance (1 of 4 stars; one submission).

Submission:

Labcorp Genetics (formerly Invitae), Labcorp
Classification: Uncertain significance. Last evaluated: 2021-05-16. Review status: criteria provided, single submitter. Criteria: Invitae Variant Classification Sherloc (09022015). Collection method: clinical testing. Allele origin: germline.
Comment: In summary, the available evidence is currently insufficient to determine the role of this variant in disease. Therefore, it has been classified as a Variant of Uncertain Significance. Experimental studies and prediction algorithms are not available or were not evaluated, and the effect of this variant on mRNA splicing is currently unknown. This variant has not been reported in the literature in individuals with NEDD4L-related conditions. This variant is not present in population databases (ExAC no frequency). This sequence change falls in intron 12 of the NEDD4L gene. It does not directly change the encoded amino acid sequence of the NEDD4L protein.

NM_001144967.3(NEDD4L):c.1126-5_1126-2del

Gene: NEDD4L (NEDD4 like E3 ubiquitin protein ligase; plus strand). Cytogenetic location: 18q21.31.
Variant type: Deletion.
Coding change: c.1126-5_1126-2del on transcript NM_001144967.3 (MANE Select); 5 bases into the intron before coding-DNA position 1126 through the canonical splice acceptor site of the intron before coding-DNA position 1126, 4 bases deleted (AACA; older notation c.1126-5_1126-2delAACA).
Molecular consequence: splice acceptor variant. On other transcripts: intron variant (1).
Genome position (GRCh38, 1-based): chr18:58,341,033-58,341,036, AACA deleted; deleting any 4 consecutive bases within chr18:58,341,030-58,341,036 gives the same sequence; the c. name uses the placement nearest the transcript's 3' end. VCF-style (leftmost placement, unchanged base first): chr18-58341029-CACAA-C. GRCh37 (hg19) VCF-style: chr18-56008261-CACAA-C.
Other names: c.1066-5_1066-2del (NM_015277.6); c.1066-645_1066-642del (NM_001243960.2); c.763-5_763-2del (NM_001144964.1, NM_001144965.2, NM_001144966.3); c.703-5_703-2del (NM_001144971.2, NM_001144970.3); c.1102-5_1102-2del (NM_001144968.2); c.1042-5_1042-2del (NM_001144969.2).
Identifiers: ClinVar variation 1395433 (VCV001395433.8), dbSNP rs2042353568, ClinGen allele CA2306408246.
Genomic context (GRCh38, chr18:58,341,029, plus strand): 5'-CTTACTTTATTAAACTGATCAGAAAACAAATGCAAGGTATTAAATAATAATGATTTCTTG[CACAA>C]ACAGCCATCAGTGGCCTATGTACATACCACGCCGGGTCTGCCTTCAGGCTGGGAAGAAAG-3'